The following is an entry in ClinVar:

NM_015425.6(POLR1A):c.464C>T (p.Ser155Phe)

Gene: POLR1A (RNA polymerase I subunit A; minus strand). Cytogenetic location: 2p11.2.
Variant type: single nucleotide variant.
Coding change: c.464C>T on transcript NM_015425.6 (MANE Select); coding-DNA position 464, C replaced by T.
Protein change: p.Ser155Phe; replaces serine 155 with phenylalanine.
Molecular consequence: missense variant.
Genome position (GRCh38, 1-based): chr2:86,089,898, G>A on the plus strand (C>T on the coding strand, the complement: POLR1A is on the minus strand). VCF-style: chr2-86089898-G-A. GRCh37 (hg19) VCF-style: chr2-86317021-G-A.
Other names: short protein forms S155F.
Identifiers: ClinVar variation 2889543 (VCV002889543.3), dbSNP rs1187434609, ClinGen allele CA347556437.

ClinVar aggregate classification (germline): Uncertain significance (1 of 4 stars; one submission).

Allele frequency attached by ClinVar (database versions not stated): gnomAD exomes below 0.00001.
gnomAD v4.1: 1 of 1,609,990 alleles (0.000062%); highest among the groups gnomAD compares: Admixed American, 0.0017%; no homozygotes.

Submission:

Labcorp Genetics (formerly Invitae), Labcorp
Classification: Uncertain significance. Last evaluated: 2023-09-09. Review status: criteria provided, single submitter. Criteria: Invitae Variant Classification Sherloc (09022015). Collection method: clinical testing. Allele origin: germline.
Comment: This variant is present in population databases (no rsID available, gnomAD 0.003%). In summary, the available evidence is currently insufficient to determine the role of this variant in disease. Therefore, it has been classified as a Variant of Uncertain Significance. Advanced modeling of protein sequence and biophysical properties (such as structural, functional, and spatial information, amino acid conservation, physicochemical variation, residue mobility, and thermodynamic stability) performed at Invitae indicates that this missense variant is not expected to disrupt POLR1A protein function. This variant has not been reported in the literature in individuals affected with POLR1A-related conditions. This sequence change replaces serine, which is neutral and polar, with phenylalanine, which is neutral and non-polar, at codon 155 of the POLR1A protein (p.Ser155Phe).